The following is an entry in ClinVar:

ClinVar aggregate classification (germline): Uncertain significance (1 of 4 stars; one submission).

Conditions:
Dilated cardiomyopathy 1O (CMD1O). Also called: CARDIOMYOPATHY, DILATED, WITH VENTRICULAR TACHYCARDIA. Identifiers: Orphanet 154, MedGen C1837839, MONDO:0012062, OMIM 608569.

Allele frequency attached by ClinVar (database versions not stated): TOPMed below 0.00001; gnomAD exomes 0.00001; ESP Exome Variant Server 0.00008.
gnomAD v4.1: 5 of 1,613,344 alleles (0.00031%); highest among the groups gnomAD compares: Non-Finnish European, 0.00042%; no homozygotes.

Submission:

Labcorp Genetics (formerly Invitae), Labcorp
Classification: Uncertain significance for Dilated cardiomyopathy 1O. Last evaluated: 2021-11-08. Review status: criteria provided, single submitter. Criteria: Invitae Variant Classification Sherloc (09022015). Collection method: clinical testing. Allele origin: germline.
Comment: In summary, the available evidence is currently insufficient to determine the role of this variant in disease. Therefore, it has been classified as a Variant of Uncertain Significance. Algorithms developed to predict the effect of missense changes on protein structure and function (SIFT, PolyPhen-2, Align-GVGD) all suggest that this variant is likely to be tolerated. This variant has not been reported in the literature in individuals affected with ABCC9-related conditions. This variant is not present in population databases (gnomAD no frequency). This sequence change replaces glutamine, which is neutral and polar, with arginine, which is basic and polar, at codon 1308 of the ABCC9 protein (p.Gln1308Arg).

NM_020297.4(ABCC9):c.3923A>G (p.Gln1308Arg)

Genes: ABCC9 (ATP binding cassette subfamily C member 9; minus strand), KCNJ8-AS1 (KCNJ8 antisense RNA 1; plus strand). Cytogenetic location: 12p12.1.
Variant type: single nucleotide variant.
Coding change: c.3923A>G on transcript NM_020297.4 (MANE Select); coding-DNA position 3923, A replaced by G.
Protein change: p.Gln1308Arg; replaces glutamine 1308 with arginine.
Molecular consequence: missense variant.
Genome position (GRCh38, 1-based): chr12:21,815,863, T>C on the plus strand (A>G on the coding strand, the complement: ABCC9 is on the minus strand). VCF-style: chr12-21815863-T-C. GRCh37 (hg19) VCF-style: chr12-21968797-T-C.
Other names: c.3923A>G, p.Gln1308Arg (NM_001377273.1, NM_005691.4); c.3056A>G, p.Gln1019Arg (NM_001377274.1); short protein forms Q1308R, Q1019R.
Identifiers: ClinVar variation 1410873 (VCV001410873.6), dbSNP rs143091422, ClinGen allele CA233615150.
Genomic context (GRCh38, chr12:21,815,863, plus strand): 5'-ACAGGTTTCAGATTATTTTCATATCTGACACACAGATCATGTATCTTGATCTCCCCTTCT[T>C]GTGGCCAATGTTCTGGAACTTGAGAAGGATCTGGAGGATGGGATGGGGAAATAGACAGAT-3'
Protein context (NP_064693.2, residues 1298-1318): DPSQVPEHWP[Gln1308Arg]EGEIKIHDLC